The following is an entry in ClinVar:

ClinVar aggregate classification (germline): Uncertain significance. Review status: criteria provided, multiple submitters, no conflicts (2 of 4 stars). 2 submissions from 2 submitters: Uncertain significance (2). Last evaluated 2025-05-19.

Conditions:
Ehlers-Danlos syndrome, classic type, 1 (EDSCL1). Also called: EHLERS-DANLOS SYNDROME, GRAVIS TYPE; EHLERS-DANLOS SYNDROME, SEVERE CLASSIC TYPE; Ehlers-Danlos syndrome, type 1; Ehlers-Danlos Syndrome, Classic Type, COL5A1-Related; EDS I. Identifiers: MedGen C0268335, MONDO:0019567, OMIM 130000.
Osteogenesis imperfecta type I (OI1). Also called: OI, TYPE I; OSTEOGENESIS IMPERFECTA TARDA; OSTEOGENESIS IMPERFECTA WITH BLUE SCLERAE; Osteogenesis imperfecta type 1; Lobstein's Disease; Lobstein disease. Identifiers: Orphanet 216796, Orphanet 666, MedGen C0023931, MONDO:0008146, OMIM 166200. Disease mechanism: loss of function.

Submissions (2):

Mayo Clinic Laboratories, Mayo Clinic
Classification: Uncertain significance. Last evaluated: 2025-05-19. Review status: criteria provided, single submitter. Criteria: ACMG Guidelines, 2015. Collection method: clinical testing. Allele origin: germline. Observed: 1 variant allele.
Comment: PM2_supporting

Labcorp Genetics (formerly Invitae), Labcorp
Classification: Uncertain significance for Osteogenesis imperfecta type I; Ehlers-Danlos syndrome, classic type, 1. Last evaluated: 2021-01-20. Review status: criteria provided, single submitter. Criteria: Invitae Variant Classification Sherloc (09022015). Collection method: clinical testing. Allele origin: germline.
Comment: This sequence change replaces alanine with glycine at codon 633 of the COL1A2 protein (p.Ala633Gly). The alanine residue is moderately conserved and there is a small physicochemical difference between alanine and glycine. This variant is not present in population databases (ExAC no frequency). This variant has not been reported in the literature in individuals with COL1A2-related conditions. Advanced modeling of protein sequence and biophysical properties (such as structural, functional, and spatial information, amino acid conservation, physicochemical variation, residue mobility, and thermodynamic stability) performed at Invitae indicates that this missense variant is not expected to disrupt COL1A2 protein function. In summary, the available evidence is currently insufficient to determine the role of this variant in disease. Therefore, it has been classified as a Variant of Uncertain Significance.

Literature cited by the submitters: PubMed 28916840 (cited by Mayo Clinic Laboratories, Mayo Clinic); PubMed 33070251 (cited by Mayo Clinic Laboratories, Mayo Clinic); PubMed 35723357 (cited by Mayo Clinic Laboratories, Mayo Clinic); PubMed 38702915 (cited by Mayo Clinic Laboratories, Mayo Clinic).

NM_000089.4(COL1A2):c.1898C>G (p.Ala633Gly)

Gene: COL1A2 (collagen type I alpha 2 chain; plus strand). Cytogenetic location: 7q21.3.
Variant type: single nucleotide variant.
Coding change: c.1898C>G on transcript NM_000089.4 (MANE Select); coding-DNA position 1898, C replaced by G.
Protein change: p.Ala633Gly; replaces alanine 633 with glycine.
Molecular consequence: missense variant.
Genome position (GRCh38, 1-based): chr7:94,417,758, C>G. VCF-style: chr7-94417758-C-G. GRCh37 (hg19) VCF-style: chr7-94047070-C-G.
Other names: p.Ala633Gly; short protein forms A633G.
Identifiers: ClinVar variation 1407319 (VCV001407319.9), dbSNP rs2115921517, ClinGen allele CA368222828.